The following is an entry in ClinVar:

ClinVar aggregate classification (germline): Pathogenic (1 of 4 stars; one submission).

Conditions:
CHD7-related CHARGE syndrome. Identifiers: MedGen CN380413, MONDO:1010178, OMIM 214800.

Submission:

Molecular Diagnostics Laboratory, M Health Fairview: University of Minnesota
Classification: Pathogenic for CHD7-related CHARGE syndrome. Last evaluated: 2026-07-01. Review status: criteria provided, single submitter. Criteria: ACMG Guidelines, 2015. Collection method: clinical testing. Allele origin: de novo. Affected: yes.
Comment: The c.1528C>T (p.Gln510*) nonsense variant is predicted to result in a premature stop codon in exon 2 of the CHD7 gene, which contains 38 exons. This variant is absent from the gnomAD (v4.1.1) database of ~807,000 controls. This variant has not been reported as a known pathogenic mutation in a review of relevant medical literature and clinical databases. Based on the available evidence, this variant is classified as pathogenic.

NM_017780.4(CHD7):c.1528C>T (p.Gln510Ter)

Gene: CHD7 (chromodomain helicase DNA binding protein 7; plus strand). Cytogenetic location: 8q12.2.
Variant type: single nucleotide variant.
Coding change: c.1528C>T on transcript NM_017780.4 (MANE Select); coding-DNA position 1528, C replaced by T.
Protein change: p.Gln510Ter; replaces glutamine 510 with a stop codon.
Molecular consequence: nonsense.
Genome position (GRCh38, 1-based): chr8:60,742,960, C>T. VCF-style: chr8-60742960-C-T. GRCh37 (hg19) VCF-style: chr8-61655519-C-T.
Other names: c.1528C>T, p.Gln510Ter (NM_001316690.1); short protein forms Q510*.
Identifiers: ClinVar variation 4974957 (VCV004974957.1).